The following is an entry in ClinVar:

ClinVar aggregate classification (germline): Uncertain significance (1 of 4 stars; one submission).

Conditions:
Cardiovascular phenotype. Identifiers: MedGen CN230736.

Submission:

Ambry Genetics
Classification: Uncertain significance for Cardiovascular phenotype. Last evaluated: 2020-11-02. Review status: criteria provided, single submitter. Criteria: Ambry Variant Classification Scheme 2023. Collection method: clinical testing. Allele origin: germline.
Comment: The p.S102C variant (also known as c.304A>T), located in coding exon 1 of the JPH2 gene, results from an A to T substitution at nucleotide position 304. The serine at codon 102 is replaced by cysteine, an amino acid with dissimilar properties. This amino acid position is highly conserved in available vertebrate species. In addition, this alteration is predicted to be tolerated by in silico analysis. Since supporting evidence is limited at this time, the clinical significance of this alteration remains unclear.

NM_020433.5(JPH2):c.304A>T (p.Ser102Cys)

Gene: JPH2 (junctophilin 2; minus strand). Cytogenetic location: 20q13.12.
Variant type: single nucleotide variant.
Coding change: c.304A>T on transcript NM_020433.5 (MANE Select); coding-DNA position 304, A replaced by T.
Protein change: p.Ser102Cys; replaces serine 102 with cysteine.
Molecular consequence: missense variant.
Genome position (GRCh38, 1-based): chr20:44,186,402, T>A on the plus strand (A>T on the coding strand, the complement: JPH2 is on the minus strand). VCF-style: chr20-44186402-T-A. GRCh37 (hg19) VCF-style: chr20-42815042-T-A.
Other names: c.304A>T, p.Ser102Cys (NM_175913.4); short protein forms S102C.
Identifiers: ClinVar variation 1799237 (VCV001799237.2), dbSNP rs1378910974, ClinGen allele CA409095086.